The following is an entry in ClinVar:

ClinVar aggregate classification (germline): Uncertain significance (0 of 4 stars; one submission).

Conditions:
CHAMP1-related disorder. Also called: CHAMP1-related condition.

Allele frequency attached by ClinVar (database versions not stated): ExAC 0.00002; gnomAD 0.00003; TOPMed 0.00003; gnomAD exomes 0.00006.
gnomAD v4.1: 87 of 1,614,014 alleles (0.0054%); highest among the groups gnomAD compares: Non-Finnish European, 0.0073%; no homozygotes.

Submission:

PreventionGenetics, part of Exact Sciences
Classification: Uncertain significance for CHAMP1-related condition. Last evaluated: 2024-02-27. Review status: no assertion criteria provided. Collection method: clinical testing. Allele origin: germline.
Comment: The CHAMP1 c.1309C>G variant is predicted to result in the amino acid substitution p.Pro437Ala. To our knowledge, this variant has not been reported in the literature. This variant is reported in 0.0062% of alleles in individuals of European (Non-Finnish) descent in gnomAD. At this time, the clinical significance of this variant is uncertain due to the absence of conclusive functional and genetic evidence.

NM_032436.4(CHAMP1):c.1309C>G (p.Pro437Ala)

Gene: CHAMP1 (chromosome alignment maintaining phosphoprotein 1; plus strand). Cytogenetic location: 13q34.
Variant type: single nucleotide variant.
Coding change: c.1309C>G on transcript NM_032436.4 (MANE Select); coding-DNA position 1309, C replaced by G.
Protein change: p.Pro437Ala; replaces proline 437 with alanine.
Molecular consequence: missense variant.
Genome position (GRCh38, 1-based): chr13:114,325,151, C>G. VCF-style: chr13-114325151-C-G. GRCh37 (hg19) VCF-style: chr13-115090626-C-G.
Other names: c.1309C>G, p.Pro437Ala (NM_001164144.3, NM_001164145.3); short protein forms P437A.
Identifiers: ClinVar variation 3046820 (VCV003046820.2), dbSNP rs201708961, ClinGen allele CA7070784.